The following is an entry in ClinVar:

NM_001267550.2(TTN):c.7331-3C>T

Genes: TTN (titin; minus strand), LOC126806433 (BRD4-independent group 4 enhancer GRCh37_chr2:179638309-179639508; plus strand). Cytogenetic location: 2q31.2.
Variant type: single nucleotide variant.
Coding change: c.7331-3C>T on transcript NM_001267550.2 (MANE Select); 3 bases into the intron before coding-DNA position 7331, C replaced by T.
Molecular consequence: intron variant.
Genome position (GRCh38, 1-based): chr2:178,773,728, G>A on the plus strand (C>T on the coding strand, the complement: TTN is on the minus strand). VCF-style: chr2-178773728-G-A. GRCh37 (hg19) VCF-style: chr2-179638455-G-A.
Other names: c.7193-3C>T (NM_003319.4, NM_133437.4, NM_133432.3); c.7331-3C>T (NM_133378.4, NM_001256850.1, NM_133379.5).
Identifiers: ClinVar variation 511500 (VCV000511500.4), dbSNP rs772008843, ClinGen allele CA2004826.
Genomic context (GRCh38, chr2:178,773,728, plus strand): 5'-ACAGCCTTGGTGCCTTCAATCACATTAACATCTTTTAGAGGTGTTATCACGTCCACACCT[G>A]CAAAATCATACACACACAAGATGAATGAATTTTGTTGAAATTGTCTGCTCCTTGAAGTTC-3'

ClinVar aggregate classification (germline): Conflicting classifications of pathogenicity. Review status: criteria provided, conflicting classifications (1 of 4 stars). 2 submissions from 2 submitters: Uncertain significance (1); Likely benign (1). Last evaluated 2025-10-28.

Conditions:
Cardiovascular phenotype. Identifiers: MedGen CN230736.

Allele frequency attached by ClinVar (database versions not stated): gnomAD 0.00004 and 0.00003; TOPMed 0.00001; gnomAD exomes below 0.00001; ExAC 0.00001.
gnomAD v4.1: 5 of 1,613,910 alleles (0.00031%); highest among the groups gnomAD compares: African/African-American, 0.0067%; no homozygotes.

Submissions (2):

Ambry Genetics
Classification: Uncertain significance for Cardiovascular phenotype. Last evaluated: 2025-10-28. Review status: criteria provided, single submitter. Criteria: Ambry Variant Classification Scheme 2023. Collection method: clinical testing. Allele origin: germline.
Comment: The c.7193-3C>T intronic variant results from a C to T substitution 3 nucleotides upstream from coding exon 30 in the TTN gene. This nucleotide position is well conserved in available vertebrate species. In silico splice site analysis predicts that this alteration will not have any significant effect on splicing. Based on the available evidence, the clinical significance of this variant remains unclear.

GeneDx
Classification: Likely benign. Last evaluated: 2017-08-18. Review status: criteria provided, single submitter. Criteria: GeneDx Variant Classification (06012015). Collection method: clinical testing. Allele origin: germline. Affected: yes.
Comment: This variant is considered likely benign or benign based on one or more of the following criteria: it is a conservative change, it occurs at a poorly conserved position in the protein, it is predicted to be benign by multiple in silico algorithms, and/or has population frequency not consistent with disease.